The following is an entry in ClinVar:

ClinVar aggregate classification (germline): Conflicting classifications of pathogenicity. Review status: criteria provided, conflicting classifications (1 of 4 stars). 2 submissions from 2 submitters: Uncertain significance (1); Likely benign (1). Last evaluated 2023-11-28.

Allele frequency attached by ClinVar (database versions not stated): gnomAD exomes 0.00002 and 0.00004; ExAC 0.00003; gnomAD 0.00003 and 0.00004.
gnomAD v4.1: 67 of 1,612,012 alleles (0.0042%); highest among the groups gnomAD compares: African/African-American, 0.0093%; no homozygotes.

Submissions (2):

Blueprint Genetics
Classification: Likely benign. Last evaluated: 2023-11-28. Review status: criteria provided, single submitter. Criteria: ACMG Guidelines, 2015. Collection method: clinical testing. Allele origin: germline.

Labcorp Genetics (formerly Invitae), Labcorp
Classification: Uncertain significance. Last evaluated: 2023-08-06. Review status: criteria provided, single submitter. Criteria: Invitae Variant Classification Sherloc (09022015). Collection method: clinical testing. Allele origin: germline.
Comment: In summary, the available evidence is currently insufficient to determine the role of this variant in disease. Therefore, it has been classified as a Variant of Uncertain Significance. An algorithm developed to predict the effect of missense changes on protein structure and function (PolyPhen-2) suggests that this variant is likely to be tolerated. ClinVar contains an entry for this variant (Variation ID: 1517593). This variant has not been reported in the literature in individuals affected with ANKH-related conditions. This variant is present in population databases (rs768077784, gnomAD 0.02%). This sequence change replaces alanine, which is neutral and non-polar, with valine, which is neutral and non-polar, at codon 448 of the ANKH protein (p.Ala448Val).

NM_054027.6(ANKH):c.1343C>T (p.Ala448Val)

Genes: ANKH (ANKH inorganic pyrophosphate transport regulator; minus strand), OTULIN (OTU deubiquitinase with linear linkage specificity; plus strand), LOC100130744 (uncharacterized LOC100130744; plus strand). Cytogenetic location: 5p15.2.
Variant type: single nucleotide variant.
Coding change: c.1343C>T on transcript NM_054027.6 (MANE Select); coding-DNA position 1343, C replaced by T.
Protein change: p.Ala448Val; replaces alanine 448 with valine.
Molecular consequence: missense variant. On other transcripts: non-coding transcript variant (1).
Genome position (GRCh38, 1-based): chr5:14,712,896, G>A on the plus strand (C>T on the coding strand, the complement: ANKH is on the minus strand). VCF-style: chr5-14712896-G-A. GRCh37 (hg19) VCF-style: chr5-14713005-G-A.
Other names: short protein forms A448V.
Identifiers: ClinVar variation 1517593 (VCV001517593.7), dbSNP rs768077784, ClinGen allele CA3208835.